The following is an entry in ClinVar:

ClinVar aggregate classification (germline): Uncertain significance (1 of 4 stars; one submission).

Conditions:
Multiple endocrine neoplasia, type 1 (MEN1). Also called: MEA I; MEN I; WERMER SYNDROME; Endocrine adenomatosis multiple; MEN 1. Identifiers: Orphanet 652, MedGen C0025267, MeSH D018761, MONDO:0007540, OMIM 131100.

Submission:

Labcorp Genetics (formerly Invitae), Labcorp
Classification: Uncertain significance for Multiple endocrine neoplasia, type 1. Last evaluated: 2023-10-09. Review status: criteria provided, single submitter. Criteria: Invitae Variant Classification Sherloc (09022015). Collection method: clinical testing. Allele origin: germline.
Comment: This sequence change replaces threonine, which is neutral and polar, with alanine, which is neutral and non-polar, at codon 568 of the MEN1 protein (p.Thr568Ala). This variant is not present in population databases (gnomAD no frequency). This variant has not been reported in the literature in individuals affected with MEN1-related conditions. Advanced modeling of protein sequence and biophysical properties (such as structural, functional, and spatial information, amino acid conservation, physicochemical variation, residue mobility, and thermodynamic stability) has been performed at Invitae for this missense variant, however the output from this modeling did not meet the statistical confidence thresholds required to predict the impact of this variant on MEN1 protein function. In summary, the available evidence is currently insufficient to determine the role of this variant in disease. Therefore, it has been classified as a Variant of Uncertain Significance.

NM_001370259.2(MEN1):c.1702A>G (p.Thr568Ala)

Gene: MEN1 (menin 1; minus strand). Cytogenetic location: 11q13.1.
Variant type: single nucleotide variant.
Coding change: c.1702A>G on transcript NM_001370259.2 (MANE Select); coding-DNA position 1702, A replaced by G.
Protein change: p.Thr568Ala; replaces threonine 568 with alanine.
Molecular consequence: missense variant. On other transcripts: non-coding transcript variant (4).
Genome position (GRCh38, 1-based): chr11:64,804,465, T>C on the plus strand (A>G on the coding strand, the complement: MEN1 is on the minus strand). VCF-style: chr11-64804465-T-C. GRCh37 (hg19) VCF-style: chr11-64571937-T-C.
Other names: c.1717A>G, p.Thr573Ala (NM_000244.4, NM_001407145.1, NM_130800.3 and 4 more transcripts); c.1828A>G, p.Thr610Ala (NM_001370251.2, NM_001407142.1, NM_001407143.1 and 1 more transcripts); c.1702A>G, p.Thr568Ala (NM_001370260.2, NM_001370261.2, NM_001407146.1 and 2 more transcripts); c.1597A>G, p.Thr533Ala (NM_001370262.2, NM_001370263.2, NM_001407148.1 and 1 more transcripts); c.1843A>G, p.Thr615Ala (NM_001407150.1); c.1723A>G, p.Thr575Ala (NM_001407151.1); c.1537A>G, p.Thr513Ala (NM_001407152.1); short protein forms T573A, T575A, T610A, T533A, T615A, T513A, T568A.
Identifiers: ClinVar variation 2767024 (VCV002767024.3), dbSNP rs2136079848, ClinGen allele CA381177633.